The following is an entry in ClinVar:

ClinVar aggregate classification (germline): Uncertain significance (1 of 4 stars; one submission).

Conditions:
Noonan syndrome 8 (NS8). Identifiers: Orphanet 648, MedGen C3809233, MONDO:0014143, OMIM 615355.

Allele frequency attached by ClinVar (database versions not stated): gnomAD exomes 0.00001; ExAC 0.00002.
gnomAD v4.1: 10 of 1,614,150 alleles (0.00062%); highest among the groups gnomAD compares: South Asian, 0.0033%; no homozygotes.

Submission:

Labcorp Genetics (formerly Invitae), Labcorp
Classification: Uncertain significance for Noonan syndrome 8. Last evaluated: 2025-12-01. Review status: criteria provided, single submitter. Criteria: Invitae Variant Classification Sherloc (09022015). Collection method: clinical testing. Allele origin: germline.
Comment: This sequence change replaces tyrosine, which is neutral and polar, with cysteine, which is neutral and slightly polar, at codon 170 of the RIT1 protein (p.Tyr170Cys). This variant is present in population databases (rs750755911, gnomAD 0.006%). This variant has not been reported in the literature in individuals affected with RIT1-related conditions. ClinVar contains an entry for this variant (Variation ID: 2987704). Invitae Evidence Modeling of protein sequence and biophysical properties (such as structural, functional, and spatial information, amino acid conservation, physicochemical variation, residue mobility, and thermodynamic stability) indicates that this missense variant is not expected to disrupt RIT1 protein function with a negative predictive value of 95%. In summary, the available evidence is currently insufficient to determine the role of this variant in disease. Therefore, it has been classified as a Variant of Uncertain Significance.

NM_006912.6(RIT1):c.509A>G (p.Tyr170Cys)

Gene: RIT1 (Ras like without CAAX 1; minus strand). Cytogenetic location: 1q22.
Variant type: single nucleotide variant.
Coding change: c.509A>G on transcript NM_006912.6 (MANE Select); coding-DNA position 509, A replaced by G.
Protein change: p.Tyr170Cys; replaces tyrosine 170 with cysteine.
Molecular consequence: missense variant.
Genome position (GRCh38, 1-based): chr1:155,900,539, T>C on the plus strand (A>G on the coding strand, the complement: RIT1 is on the minus strand). VCF-style: chr1-155900539-T-C. GRCh37 (hg19) VCF-style: chr1-155870330-T-C.
Other names: c.401A>G, p.Tyr134Cys (NM_001256820.2); c.560A>G, p.Tyr187Cys (NM_001256821.2); short protein forms Y170C, Y187C, Y134C.
Identifiers: ClinVar variation 2987704 (VCV002987704.3), dbSNP rs750755911, ClinGen allele CA1151779.
Genomic context (GRCh38, chr1:155,900,539, plus strand): 5'-ACTGCCTCCTTTTCTTTCCTACGTATCTCCCGTACAAGGGCATGGAAAACATCATCAATA[T>C]AGTAGCGGTATGCAGCAGATGTCTCAAAAAAGGGACAGCTGAATTCTCGGGCCAAGGCCA-3'
Protein context (NP_008843.1, residues 160-180): FFETSAAYRY[Tyr170Cys]IDDVFHALVR